The following is an entry in ClinVar:

ClinVar aggregate classification (germline): Uncertain significance. Review status: criteria provided, multiple submitters, no conflicts (2 of 4 stars). 2 submissions from 2 submitters: Uncertain significance (2). Last evaluated 2025-05-29.

Conditions:
Cardiovascular phenotype. Identifiers: MedGen CN230736.
Brugada syndrome 8 (BRGDA8). Identifiers: Orphanet 130, MedGen C2751083, MONDO:0013148, OMIM 613123.

Submissions (2):

Labcorp Genetics (formerly Invitae), Labcorp
Classification: Uncertain significance for Brugada syndrome 8. Last evaluated: 2025-05-29. Review status: criteria provided, single submitter. Criteria: Invitae Variant Classification Sherloc (09022015). Collection method: clinical testing. Allele origin: germline.
Comment: This sequence change replaces glutamic acid, which is acidic and polar, with aspartic acid, which is acidic and polar, at codon 995 of the HCN4 protein (p.Glu995Asp). This variant is not present in population databases (gnomAD no frequency). This variant has not been reported in the literature in individuals affected with HCN4-related conditions. ClinVar contains an entry for this variant (Variation ID: 1798435). Invitae Evidence Modeling of protein sequence and biophysical properties (such as structural, functional, and spatial information, amino acid conservation, physicochemical variation, residue mobility, and thermodynamic stability) indicates that this missense variant is not expected to disrupt HCN4 protein function with a negative predictive value of 95%. In summary, the available evidence is currently insufficient to determine the role of this variant in disease. Therefore, it has been classified as a Variant of Uncertain Significance.

Ambry Genetics
Classification: Uncertain significance for Cardiovascular phenotype. Last evaluated: 2024-08-01. Review status: criteria provided, single submitter. Criteria: Ambry Variant Classification Scheme 2023. Collection method: clinical testing. Allele origin: germline.
Comment: The p.E995D variant (also known as c.2985G>C), located in coding exon 8 of the HCN4 gene, results from a G to C substitution at nucleotide position 2985. The glutamic acid at codon 995 is replaced by aspartic acid, an amino acid with highly similar properties. This amino acid position is not well conserved in available vertebrate species. In addition, this alteration is predicted to be tolerated by in silico analysis. Based on the available evidence, the clinical significance of this variant remains unclear.

NM_005477.3(HCN4):c.2985G>C (p.Glu995Asp)

Gene: HCN4 (hyperpolarization activated cyclic nucleotide gated potassium channel 4; minus strand). Cytogenetic location: 15q24.1.
Variant type: single nucleotide variant.
Coding change: c.2985G>C on transcript NM_005477.3 (MANE Select); coding-DNA position 2985, G replaced by C.
Protein change: p.Glu995Asp; replaces glutamic acid 995 with aspartic acid.
Molecular consequence: missense variant.
Genome position (GRCh38, 1-based): chr15:73,323,108, C>G on the plus strand (G>C on the coding strand, the complement: HCN4 is on the minus strand). VCF-style: chr15-73323108-C-G. GRCh37 (hg19) VCF-style: chr15-73615449-C-G.
Other names: short protein forms E995D.
Identifiers: ClinVar variation 1798435 (VCV001798435.6), dbSNP rs2549068381, ClinGen allele CA393086575.